The following is an entry in ClinVar:

ClinVar aggregate classification (germline): Uncertain significance (1 of 4 stars; one submission).

Submission:

Labcorp Genetics (formerly Invitae), Labcorp
Classification: Uncertain significance. Last evaluated: 2024-10-03. Review status: criteria provided, single submitter. Criteria: Invitae Variant Classification Sherloc (09022015). Collection method: clinical testing. Allele origin: germline.
Comment: This sequence change falls in intron 23 of the LTBP2 gene. It does not directly change the encoded amino acid sequence of the LTBP2 protein. It affects a nucleotide within the consensus splice site. This variant is not present in population databases (gnomAD no frequency). This variant has not been reported in the literature in individuals affected with LTBP2-related conditions. Variants that disrupt the consensus splice site are a relatively common cause of aberrant splicing (PMID: 17576681, 9536098). Algorithms developed to predict the effect of sequence changes on RNA splicing suggest that this variant is not likely to affect RNA splicing. In summary, the available evidence is currently insufficient to determine the role of this variant in disease. Therefore, it has been classified as a Variant of Uncertain Significance.

Literature cited by the submitters: PubMed 17576681; PubMed 9536098.

NM_000428.3(LTBP2):c.3526+6T>C

Gene: LTBP2 (latent transforming growth factor beta binding protein 2; minus strand). Cytogenetic location: 14q24.3.
Variant type: single nucleotide variant.
Coding change: c.3526+6T>C on transcript NM_000428.3 (MANE Select); 6 bases into the intron after coding-DNA position 3526, T replaced by C.
Molecular consequence: intron variant.
Genome position (GRCh38, 1-based): chr14:74,508,824, A>G on the plus strand (T>C on the coding strand, the complement: LTBP2 is on the minus strand). VCF-style: chr14-74508824-A-G. GRCh37 (hg19) VCF-style: chr14-74975527-A-G.
Identifiers: ClinVar variation 3622706 (VCV003622706.2).